The following is an entry in ClinVar:

NM_139058.3(ARX):c.663C>G (p.Thr221=)

Gene: ARX (aristaless related homeobox; minus strand). Cytogenetic location: Xp21.3.
Variant type: single nucleotide variant.
Coding change: c.663C>G on transcript NM_139058.3 (MANE Select); coding-DNA position 663, C replaced by G.
Protein change: p.Thr221=; no amino-acid change (threonine 221 retained).
Molecular consequence: synonymous variant.
Genome position (GRCh38, 1-based): chrX:25,013,332, G>C on the plus strand (C>G on the coding strand, the complement: ARX is on the minus strand). VCF-style: chrX-25013332-G-C. GRCh37 (hg19) VCF-style: chrX-25031449-G-C.
Identifiers: ClinVar variation 540222 (VCV000540222.12), dbSNP rs1006404746, ClinGen allele CA515947837.
Genomic context (GRCh38, chrX:25,013,332, plus strand): 5'-CTCTTCCTCGTCCTCATCTTCTTCGTCCTCCAGCAGCTCCTCCTCGTCGTCCTCGGTGCC[G>C]GTGCCACCACCCGCAGCCGGGGCGCTGCCCGGGCCGCCGGCCACGCCGAGGCGCTCCTCC-3'
Protein context (NP_620689.1, residues 211-231): PGSAPAAGGG[Thr221=]GTEDDEEELL

ClinVar aggregate classification (germline): Likely benign. Review status: criteria provided, multiple submitters, no conflicts (2 of 4 stars). 2 submissions from 2 submitters: Likely benign (2). Last evaluated 2020-10-22.

Conditions:
Intellectual disability, X-linked, with or without seizures, ARX-related. Also called: INTELLECTUAL DEVELOPMENTAL DISORDER, X-LINKED 29; Mental retardation, X-linked 52; MENTAL RETARDATION, X-LINKED 29; MENTAL RETARDATION, X-LINKED 32; MENTAL RETARDATION, X-LINKED 33; MENTAL RETARDATION, X-LINKED 38. Identifiers: Orphanet 777, MedGen C0796244, MONDO:0010317, OMIM 300419.
Developmental and epileptic encephalopathy, 1 (DEE1). Also called: OHTAHARA SYNDROME, X-LINKED; X-linked infantile spasms; West's syndrome; Tonic spasms with clustering, arrest of psychomotor development and hypsarrhythmia on EEG; X-Linked Infantile Spasm Syndrome; Epileptic encephalopathy, early infantile, 1. Identifiers: MedGen C3463992, MONDO:0010632, OMIM 308350. Disease mechanism: loss of function.

Submissions (2):

Labcorp Genetics (formerly Invitae), Labcorp
Classification: Likely benign for Developmental and epileptic encephalopathy, 1; Intellectual disability, X-linked, with or without seizures, ARX-related. Last evaluated: 2020-10-22. Review status: criteria provided, single submitter. Criteria: Invitae Variant Classification Sherloc (09022015). Collection method: clinical testing. Allele origin: germline.

GeneDx
Classification: Likely benign. Last evaluated: 2018-04-27. Review status: criteria provided, single submitter. Criteria: GeneDx Variant Classification (06012015). Collection method: clinical testing. Allele origin: germline. Affected: yes.
Comment: This variant is considered likely benign or benign based on one or more of the following criteria: it is a conservative change, it occurs at a poorly conserved position in the protein, it is predicted to be benign by multiple in silico algorithms, and/or has population frequency not consistent with disease.